The following is an entry in ClinVar:

NM_001378454.1(ALMS1):c.689C>A (p.Thr230Asn)

Gene: ALMS1 (ALMS1 centrosome and basal body associated protein; plus strand). Cytogenetic location: 2p13.1.
Variant type: single nucleotide variant.
Coding change: c.689C>A on transcript NM_001378454.1 (MANE Select); coding-DNA position 689, C replaced by A.
Protein change: p.Thr230Asn; replaces threonine 230 with asparagine.
Molecular consequence: missense variant.
Genome position (GRCh38, 1-based): chr2:73,422,899, C>A. VCF-style: chr2-73422899-C-A. GRCh37 (hg19) VCF-style: chr2-73650027-C-A.
Other names: c.692C>A, p.Thr231Asn (NM_015120.4); short protein forms T231N, T230N.
Identifiers: ClinVar variation 2275301 (VCV002275301.4), dbSNP rs368270555, ClinGen allele CA1712934.

ClinVar aggregate classification (germline): Uncertain significance. Review status: criteria provided, multiple submitters, no conflicts (2 of 4 stars). 3 submissions from 3 submitters: Uncertain significance (3). Last evaluated 2026-02-04.

Conditions:
Cardiovascular phenotype. Identifiers: MedGen CN230736.

Allele frequency attached by ClinVar (database versions not stated): ExAC 0.00001; gnomAD 0.00001; TOPMed 0.00001; ESP Exome Variant Server 0.00008.
gnomAD v4.1: 2 of 1,613,550 alleles (0.00012%); highest among the groups gnomAD compares: Non-Finnish European, 0.00017%; no homozygotes.

Submissions (3):

GeneDx
Classification: Uncertain significance. Last evaluated: 2026-02-04. Review status: criteria provided, single submitter. Criteria: GeneDx Variant Classification Process June 2021. Collection method: clinical testing. Allele origin: germline.
Comment: Not observed at significant frequency in large population cohorts (gnomAD); In silico analysis suggests that this missense variant does not alter protein structure/function; Has not been previously published as pathogenic or benign to our knowledge

Blueprint Genetics
Classification: Uncertain significance. Last evaluated: 2024-07-19. Review status: criteria provided, single submitter. Criteria: ACMG Guidelines, 2015. Collection method: clinical testing. Allele origin: germline.

Ambry Genetics
Classification: Uncertain significance for Cardiovascular phenotype. Last evaluated: 2022-03-15. Review status: criteria provided, single submitter. Criteria: Ambry Variant Classification Scheme 2023. Collection method: clinical testing. Allele origin: germline.